The following is an entry in ClinVar:

ClinVar aggregate classification (germline): Conflicting classifications of pathogenicity. Review status: criteria provided, conflicting classifications (1 of 4 stars). 4 submissions from 4 submitters: Uncertain significance (1); Likely benign (3). Last evaluated 2025-10-07.

Conditions:
Hereditary cancer-predisposing syndrome. Also called: Tumor predisposition; Hereditary neoplastic syndrome; Neoplastic Syndromes, Hereditary; Hereditary Cancer Syndrome. Identifiers: Orphanet 140162, MedGen C0027672, MeSH D009386, MONDO:0015356.
Familial cancer of breast. Also called: BREAST CANCER, FAMILIAL; hereditary breast carcinoma; Hereditary breast cancer. Identifiers: Orphanet 227535, MedGen C0346153, MONDO:0016419, OMIM 114480. Disease mechanism: loss of function.

Allele frequency attached by ClinVar (database versions not stated): gnomAD exomes below 0.00001 and 0.00002; TOPMed 0.00001; ExAC 0.00002.
gnomAD v4.1: 4 of 1,609,726 alleles (0.00025%); highest among the groups gnomAD compares: Admixed American, 0.005%; no homozygotes.

Submissions (4):

Labcorp Genetics (formerly Invitae), Labcorp
Classification: Likely benign for Familial cancer of breast. Last evaluated: 2025-10-07. Review status: criteria provided, single submitter. Criteria: Invitae Variant Classification Sherloc (09022015). Collection method: clinical testing. Allele origin: germline.

Quest Diagnostics Nichols Institute San Juan Capistrano
Classification: Uncertain significance. Last evaluated: 2025-09-12. Review status: criteria provided, single submitter. Criteria: Quest Diagnostics criteria. Collection method: clinical testing. Allele origin: unknown.
Comment: The BARD1 c.2001+10T>C variant has not been reported in individuals with BARD1-related conditions in the published literature. The frequency of this variant in the general population (Genome Aggregation Database) is uninformative in the assessment of its pathogenicity. Analysis of this variant using software algorithms for the prediction of the effect of nucleotide changes on splicing yielded predictions that this variant does not affect BARD1 mRNA splicing. Based on the available information, we are unable to determine the clinical significance of this variant.

Myriad Genetics, Inc.
Classification: Likely benign for Familial cancer of breast. Last evaluated: 2024-07-29. Review status: criteria provided, single submitter. Criteria: Myriad Autosomal Dominant, Autosomal Recessive and X-Linked Classification Criteria (2023). Collection method: clinical testing. Allele origin: unknown.
Comment: This variant is considered likely benign. This variant is intronic and is not expected to impact mRNA splicing.

Color Diagnostics, LLC DBA Color Health
Classification: Likely benign for Hereditary cancer-predisposing syndrome. Last evaluated: 2018-11-28. Review status: criteria provided, single submitter. Criteria: ACMG Guidelines, 2015. Collection method: clinical testing. Allele origin: germline.

NM_000465.4(BARD1):c.2001+10T>C

Gene: BARD1 (BRCA1 associated RING domain 1; minus strand). Cytogenetic location: 2q35.
Variant type: single nucleotide variant.
Coding change: c.2001+10T>C on transcript NM_000465.4 (MANE Select); 10 bases into the intron after coding-DNA position 2001, T replaced by C.
Molecular consequence: intron variant.
Genome position (GRCh38, 1-based): chr2:214,730,401, A>G on the plus strand (T>C on the coding strand, the complement: BARD1 is on the minus strand). VCF-style: chr2-214730401-A-G. GRCh37 (hg19) VCF-style: chr2-215595125-A-G.
Other names: c.591+10T>C (NM_001282548.2); c.1944+10T>C (NM_001282543.2); c.648+10T>C (NM_001282545.2); c.462+10T>C (NM_001282549.2).
Identifiers: ClinVar variation 749794 (VCV000749794.14), dbSNP rs769194998, ClinGen allele CA2090105.